The following is an entry in ClinVar:

NM_002181.4(IHH):c.819C>T (p.Pro273=)

Gene: IHH (Indian hedgehog signaling molecule; minus strand). Cytogenetic location: 2q35.
Variant type: single nucleotide variant.
Coding change: c.819C>T on transcript NM_002181.4 (MANE Select); coding-DNA position 819, C replaced by T.
Protein change: p.Pro273=; no amino-acid change (proline 273 retained).
Molecular consequence: synonymous variant.
Genome position (GRCh38, 1-based): chr2:219,055,624, G>A on the plus strand (C>T on the coding strand, the complement: IHH is on the minus strand). VCF-style: chr2-219055624-G-A. GRCh37 (hg19) VCF-style: chr2-219920346-G-A.
Identifiers: ClinVar variation 334437 (VCV000334437.16), dbSNP rs61747697, ClinGen allele CA2116595.

ClinVar aggregate classification (germline): Benign/Likely benign. Review status: criteria provided, multiple submitters, no conflicts (2 of 4 stars). 4 submissions from 4 submitters: Benign (3); Likely benign (1). Last evaluated 2026-02-01.

Conditions:
Brachydactyly type A1A. Identifiers: MedGen CN295859, MONDO:0020701.
Acrocapitofemoral dysplasia (ACFD). Identifiers: Orphanet 63446, MedGen C1843096, MONDO:0011907, OMIM 607778.
Brachydactyly type A1. Also called: FARABEE-TYPE BRACHYDACTYLY; SHORT STATURE WITH NONSPECIFIC SKELETAL ABNORMALITIES 2. Identifiers: Orphanet 93388, MedGen C1862151, MONDO:0007215, OMIM 112500, HP:0009371.

Allele frequency attached by ClinVar (database versions not stated): ExAC 0.00254; gnomAD 0.00854 and 0.00915; ESP Exome Variant Server 0.00892; TOPMed 0.00901; 1000 Genomes Project 0.00919; 1000 Genomes Project 30x 0.00968.
gnomAD v4.1: 2,680 of 1,614,024 alleles (0.17%); highest among the groups gnomAD compares: African/African-American, 2.9%; 47 homozygotes.

Submissions (4):

Labcorp Genetics (formerly Invitae), Labcorp
Classification: Benign. Last evaluated: 2026-02-01. Review status: criteria provided, single submitter. Criteria: Invitae Variant Classification Sherloc (09022015). Collection method: clinical testing. Allele origin: germline.

Fulgent Genetics
Classification: Likely benign for Brachydactyly type A1; Acrocapitofemoral dysplasia. Last evaluated: 2021-12-03. Review status: criteria provided, single submitter. Criteria: ACMG Guidelines, 2015. Collection method: clinical testing. Allele origin: unknown.

Illumina Laboratory Services, Illumina
Classification: Benign for Brachydactyly type A1. Last evaluated: 2018-01-13. Review status: criteria provided, single submitter. Criteria: ICSL Variant Classification Criteria 13 December 2019. Collection method: clinical testing. Allele origin: germline.
Comment: This variant was observed in the ICSL laboratory as part of a predisposition screen in an ostensibly healthy population. It had not been previously curated by ICSL or reported in the Human Gene Mutation Database (HGMD: prior to June 1st, 2018), and was therefore a candidate for classification through an automated scoring system. Utilizing variant allele frequency, disease prevalence and penetrance estimates, and inheritance mode, an automated score was calculated to assess if this variant is too frequent to cause the disease. Based on the score and internal cut-off values, a variant classified as benign is not then subjected to further curation. The score for this variant resulted in a classification of benign for this disease.

Breakthrough Genomics
Classification: Benign. Review status: criteria provided, single submitter. Criteria: ACMG Guidelines, 2015. Collection method: not provided. Allele origin: germline. Inheritance: Autosomal recessive inheritance. Affected: yes.